The following is an entry in ClinVar:

ClinVar aggregate classification (germline): Uncertain significance (1 of 4 stars; one submission).

Allele frequency attached by ClinVar (database versions not stated): gnomAD exomes below 0.00001 and 0.00001; ExAC 0.00001; gnomAD 0.00003; TOPMed 0.00003.
gnomAD v4.1: 6 of 1,613,864 alleles (0.00037%); highest among the groups gnomAD compares: African/African-American, 0.008%; no homozygotes.

Submission:

Labcorp Genetics (formerly Invitae), Labcorp
Classification: Uncertain significance. Last evaluated: 2021-08-11. Review status: criteria provided, single submitter. Criteria: Invitae Variant Classification Sherloc (09022015). Collection method: clinical testing. Allele origin: germline.
Comment: This sequence change replaces leucine with glutamine at codon 3006 of the SZT2 protein (p.Leu3006Gln). The leucine residue is highly conserved and there is a moderate physicochemical difference between leucine and glutamine. This variant is present in population databases (rs758577342, ExAC 0.01%). In summary, the available evidence is currently insufficient to determine the role of this variant in disease. Therefore, it has been classified as a Variant of Uncertain Significance. Algorithms developed to predict the effect of sequence changes on RNA splicing suggest that this variant may create or strengthen a splice site. Algorithms developed to predict the effect of missense changes on protein structure and function (SIFT, PolyPhen-2, Align-GVGD) all suggest that this variant is likely to be tolerated. This variant has not been reported in the literature in individuals affected with SZT2-related conditions.

NM_001365999.1(SZT2):c.9188T>A (p.Leu3063Gln)

Gene: SZT2 (SZT2 subunit of KICSTOR complex; plus strand). Cytogenetic location: 1p34.2.
Variant type: single nucleotide variant.
Coding change: c.9188T>A on transcript NM_001365999.1 (MANE Select); coding-DNA position 9188, T replaced by A.
Protein change: p.Leu3063Gln; replaces leucine 3063 with glutamine.
Molecular consequence: missense variant.
Genome position (GRCh38, 1-based): chr1:43,447,070, T>A. VCF-style: chr1-43447070-T-A. GRCh37 (hg19) VCF-style: chr1-43912741-T-A.
Other names: c.9017T>A, p.Leu3006Gln (NM_015284.4); short protein forms L3006Q, L3063Q.
Identifiers: ClinVar variation 1416943 (VCV001416943.4), dbSNP rs758577342, ClinGen allele CA810841.